The following is an entry in ClinVar:

ClinVar aggregate classification (germline): Uncertain significance (1 of 4 stars; one submission).

Submission:

Labcorp Genetics (formerly Invitae), Labcorp
Classification: Uncertain significance. Last evaluated: 2021-07-01. Review status: criteria provided, single submitter. Criteria: Invitae Variant Classification Sherloc (09022015). Collection method: clinical testing. Allele origin: germline.
Comment: This variant is not present in population databases (ExAC no frequency). This sequence change replaces isoleucine with phenylalanine at codon 313 of the CTNNA1 protein (p.Ile313Phe). The isoleucine residue is highly conserved and there is a small physicochemical difference between isoleucine and phenylalanine. This variant has not been reported in the literature in individuals affected with CTNNA1-related conditions. Algorithms developed to predict the effect of missense changes on protein structure and function are either unavailable or do not agree on the potential impact of this missense change (SIFT: "Deleterious"; PolyPhen-2: "Probably Damaging"; Align-GVGD: "Class C0"). In summary, the available evidence is currently insufficient to determine the role of this variant in disease. Therefore, it has been classified as a Variant of Uncertain Significance.

NM_001903.5(CTNNA1):c.937A>T (p.Ile313Phe)

Gene: CTNNA1 (catenin alpha 1; plus strand). Cytogenetic location: 5q31.2.
Variant type: single nucleotide variant.
Coding change: c.937A>T on transcript NM_001903.5 (MANE Select); coding-DNA position 937, A replaced by T.
Protein change: p.Ile313Phe; replaces isoleucine 313 with phenylalanine.
Molecular consequence: missense variant.
Genome position (GRCh38, 1-based): chr5:138,827,593, A>T. VCF-style: chr5-138827593-A-T. GRCh37 (hg19) VCF-style: chr5-138163282-A-T.
Other names: c.937A>T, p.Ile313Phe (NM_001290307.3, NM_001323982.2, NM_001323983.1 and 3 more transcripts); c.628A>T, p.Ile210Phe (NM_001290309.3); c.568A>T, p.Ile190Phe (NM_001290310.3); short protein forms I210F, I190F, I313F.
Identifiers: ClinVar variation 1365108 (VCV001365108.8), dbSNP rs1760849989, ClinGen allele CA361130901.
Genomic context (GRCh38, chr5:138,827,593, plus strand): 5'-CCCTTGAGCTTCAGCGAGGAGCGCTTTAGGCCTTCCCTGGAGGAGCGTCTGGAAAGCATC[A>T]TTAGTGGGGCTGCCTTGATGGCCGACTCGTCCTGCACGCGTGATGACCGTCGTGAGCGAA-3'
Protein context (NP_001894.2, residues 303-323): PSLEERLESI[Ile313Phe]SGAALMADSS